The following is an entry in ClinVar:

ClinVar aggregate classification (germline): Uncertain significance. Review status: criteria provided, multiple submitters, no conflicts (2 of 4 stars). 2 submissions from 2 submitters: Uncertain significance (2). Last evaluated 2025-06-13.

Conditions:
Hereditary cancer-predisposing syndrome. Also called: Neoplastic Syndromes, Hereditary; Hereditary Cancer Syndrome; Tumor predisposition; Hereditary neoplastic syndrome. Identifiers: Orphanet 140162, MedGen C0027672, MeSH D009386, MONDO:0015356.

gnomAD v4.1: 1 of 1,613,750 alleles (0.000062%); highest among the groups gnomAD compares: South Asian, 0.0011%; no homozygotes.

Submissions (2):

Ambry Genetics
Classification: Uncertain significance for Hereditary cancer-predisposing syndrome. Last evaluated: 2025-06-13. Review status: criteria provided, single submitter. Criteria: Ambry Variant Classification Scheme 2023. Collection method: clinical testing. Allele origin: germline.
Comment: The p.K687R variant (also known as c.2060A>G), located in coding exon 14 of the MSH3 gene, results from an A to G substitution at nucleotide position 2060. The lysine at codon 687 is replaced by arginine, an amino acid with highly similar properties. This amino acid position is conserved. In addition, this alteration is predicted to be tolerated by in silico analysis. Based on the available evidence, the clinical significance of this variant remains unclear.

Labcorp Genetics (formerly Invitae), Labcorp
Classification: Uncertain significance. Last evaluated: 2020-02-13. Review status: criteria provided, single submitter. Criteria: Invitae Variant Classification Sherloc (09022015). Collection method: clinical testing. Allele origin: germline.
Comment: This sequence change replaces lysine with arginine at codon 687 of the MSH3 protein (p.Lys687Arg). The lysine residue is moderately conserved and there is a small physicochemical difference between lysine and arginine. This variant is not present in population databases (ExAC no frequency). This variant has not been reported in the literature in individuals with MSH3-related conditions. Algorithms developed to predict the effect of missense changes on protein structure and function output the following: SIFT: "Tolerated"; PolyPhen-2: "Benign"; Align-GVGD: "Class C0". The arginine amino acid residue is found in multiple mammalian species, suggesting that this missense change does not adversely affect protein function. These predictions have not been confirmed by published functional studies and their clinical significance is uncertain. In summary, the available evidence is currently insufficient to determine the role of this variant in disease. Therefore, it has been classified as a Variant of Uncertain Significance.

NM_002439.5(MSH3):c.2060A>G (p.Lys687Arg)

Gene: MSH3 (mutS homolog 3; plus strand). Cytogenetic location: 5q14.1.
Variant type: single nucleotide variant.
Coding change: c.2060A>G on transcript NM_002439.5 (MANE Select); coding-DNA position 2060, A replaced by G.
Protein change: p.Lys687Arg; replaces lysine 687 with arginine.
Molecular consequence: missense variant.
Genome position (GRCh38, 1-based): chr5:80,768,096, A>G. VCF-style: chr5-80768096-A-G. GRCh37 (hg19) VCF-style: chr5-80063915-A-G.
Other names: c.2060A>G (NM_002439.3); short protein forms K687R.
Identifiers: ClinVar variation 1038549 (VCV001038549.9), dbSNP rs1239649725, ClinGen allele CA360277929.